The following is an entry in ClinVar:

NM_005120.3(MED12):c.2384C>T (p.Pro795Leu)

Gene: MED12 (mediator complex subunit 12; plus strand). Cytogenetic location: Xq13.1.
Variant type: single nucleotide variant.
Coding change: c.2384C>T on transcript NM_005120.3 (MANE Select); coding-DNA position 2384, C replaced by T.
Protein change: p.Pro795Leu; replaces proline 795 with leucine.
Molecular consequence: missense variant.
Genome position (GRCh38, 1-based): chrX:71,125,675, C>T. VCF-style: chrX-71125675-C-T. GRCh37 (hg19) VCF-style: chrX-70345525-C-T.
Other names: short protein forms P795L.
Identifiers: ClinVar variation 1186021 (VCV001186021.12), dbSNP rs2092301217, ClinGen allele CA413514851.

ClinVar aggregate classification (germline): Conflicting classifications of pathogenicity. Review status: criteria provided, conflicting classifications (1 of 4 stars). 4 submissions from 4 submitters: Uncertain significance (1); Likely benign (2). 1 of the submissions does not count toward it. Last evaluated 2025-06-18.

Conditions:
FG syndrome (FGS). Identifiers: MedGen C0220769, MONDO:0002010.
Familial thoracic aortic aneurysm and aortic dissection (TAAD). Also called: Thoracic aortic aneurysms and dissections. Identifiers: Orphanet 91387, MedGen C4707243, MONDO:0019625.
MED12-Related Disorders. Also called: MED12-related disorder; MED12-related condition. Identifiers: MedGen CN381102.

Allele frequency attached by ClinVar (database versions not stated): gnomAD exomes 0.00001.

Submissions (4):

Ambry Genetics
Classification: Likely benign for Familial thoracic aortic aneurysm and aortic dissection. Last evaluated: 2025-06-18. Review status: criteria provided, single submitter. Criteria: Ambry Variant Classification Scheme 2023. Collection method: clinical testing. Allele origin: germline.

Labcorp Genetics (formerly Invitae), Labcorp
Classification: Uncertain significance for FG syndrome. Last evaluated: 2024-09-09. Review status: criteria provided, single submitter. Criteria: Invitae Variant Classification Sherloc (09022015). Collection method: clinical testing. Allele origin: germline.
Comment: This sequence change replaces proline, which is neutral and non-polar, with leucine, which is neutral and non-polar, at codon 795 of the MED12 protein (p.Pro795Leu). This variant is not present in population databases (gnomAD no frequency). This variant has not been reported in the literature in individuals affected with MED12-related conditions. ClinVar contains an entry for this variant (Variation ID: 1186021). Invitae Evidence Modeling of protein sequence and biophysical properties (such as structural, functional, and spatial information, amino acid conservation, physicochemical variation, residue mobility, and thermodynamic stability) indicates that this missense variant is not expected to disrupt MED12 protein function with a negative predictive value of 95%. In summary, the available evidence is currently insufficient to determine the role of this variant in disease. Therefore, it has been classified as a Variant of Uncertain Significance.

GeneDx
Classification: Likely benign. Last evaluated: 2019-02-18. Review status: criteria provided, single submitter. Criteria: GeneDx Variant Classification Process June 2021. Collection method: clinical testing. Allele origin: germline. Affected: yes.

PreventionGenetics, part of Exact Sciences
Classification: Uncertain significance for MED12-related condition. Last evaluated: 2024-03-15. Review status: no assertion criteria provided. Collection method: clinical testing. Allele origin: germline. Not counted in ClinVar's aggregate classification.
Comment: The MED12 c.2384C>T variant is predicted to result in the amino acid substitution p.Pro795Leu. To our knowledge, this variant has not been reported in the literature or in a large population database, indicating this variant is rare. It is interpreted as likely benign in the ClinVar database by one outside laboratory, although no evidence was provided to support the interpretation. At this time, the clinical significance of this variant is uncertain due to the absence of conclusive functional and genetic evidence.